The following is an entry in ClinVar:

NM_000143.4(FH):c.42C>A (p.Leu14=)

Gene: FH (fumarate hydratase; minus strand). Cytogenetic location: 1q43.
Variant type: single nucleotide variant.
Coding change: c.42C>A on transcript NM_000143.4 (MANE Select); coding-DNA position 42, C replaced by A.
Protein change: p.Leu14=; no amino-acid change (leucine 14 retained).
Molecular consequence: synonymous variant.
Genome position (GRCh38, 1-based): chr1:241,519,681, G>T on the plus strand (C>A on the coding strand, the complement: FH is on the minus strand). VCF-style: chr1-241519681-G-T. GRCh37 (hg19) VCF-style: chr1-241682981-G-T.
Identifiers: ClinVar variation 862088 (VCV000862088.14), dbSNP rs1660322230, ClinGen allele CA424076852.

ClinVar aggregate classification (germline): Benign/Likely benign. Review status: criteria provided, multiple submitters, no conflicts (2 of 4 stars). 4 submissions from 4 submitters: Benign (1); Likely benign (2). 1 of the submissions does not count toward it. Last evaluated 2026-01-20.

Conditions:
Hereditary cancer-predisposing syndrome. Also called: Neoplastic Syndromes, Hereditary; Tumor predisposition; Hereditary Cancer Syndrome; Hereditary neoplastic syndrome. Identifiers: Orphanet 140162, MedGen C0027672, MeSH D009386, MONDO:0015356.
Hereditary leiomyomatosis and renal cell cancer. Also called: FH tumor predisposition syndrome; LEIOMYOMA, MULTIPLE CUTANEOUS; MULTIPLE CUTANEOUS AND UTERINE LEIOMYOMATA 1, WITH OR WITHOUT RENAL CELL CARCINOMA; Reed syndrome; Multiple cutaneous and uterine leiomyomatosis; Cutaneous leiomyomata with uterine leiomyomata. Identifiers: Orphanet 523, MedGen C1708350, MONDO:0007888, OMIM 150800, HP:0007437. Disease mechanism: loss of function.
Fumarase deficiency (FMRD). Also called: Fumaric aciduria; Fumarate Hydratase Deficiency. Identifiers: Orphanet 24, MedGen C0342770, MONDO:0011730, OMIM 606812.

Allele frequency attached by ClinVar (database versions not stated): gnomAD 0.00001.
gnomAD v4.1: 6 of 1,547,044 alleles (0.00039%); highest among the groups gnomAD compares: East Asian, 0.0098%; no homozygotes.

Submissions (4):

Labcorp Genetics (formerly Invitae), Labcorp
Classification: Likely benign. Last evaluated: 2026-01-20. Review status: criteria provided, single submitter. Criteria: Invitae Variant Classification Sherloc (09022015). Collection method: clinical testing. Allele origin: germline.

Myriad Genetics, Inc.
Classification: Benign for Hereditary leiomyomatosis and renal cell cancer. Last evaluated: 2024-10-17. Review status: criteria provided, single submitter. Criteria: Myriad Autosomal Dominant, Autosomal Recessive and X-Linked Classification Criteria (2023). Collection method: clinical testing. Allele origin: unknown.
Comment: This variant is considered benign. This variant is a silent/synonymous amino acid change and it is not expected to impact splicing.

Ambry Genetics
Classification: Likely benign for Hereditary cancer-predisposing syndrome. Last evaluated: 2020-06-12. Review status: criteria provided, single submitter. Criteria: Ambry Variant Classification Scheme 2023. Collection method: clinical testing. Allele origin: germline.

Natera, Inc.
Classification: Uncertain significance for Fumarase Deficiency. Last evaluated: 2021-08-10. Review status: no assertion criteria provided. Collection method: clinical testing. Allele origin: germline. Not counted in ClinVar's aggregate classification.